The following is an entry in ClinVar:

ClinVar aggregate classification (germline): Conflicting classifications of pathogenicity. Review status: criteria provided, conflicting classifications (1 of 4 stars). 7 submissions from 7 submitters: Uncertain significance (5); Likely benign (1). 1 of the submissions does not count toward it. Last evaluated 2026-02-01.

Conditions:
Distal myopathy with anterior tibial onset. Identifiers: Orphanet 178400, MedGen C1847532, MONDO:0011721, OMIM 606768.
Miyoshi muscular dystrophy 1 (MMD1). Identifiers: Orphanet 45448, MedGen C4551973, MONDO:0024545, OMIM 254130.
Autosomal recessive limb-girdle muscular dystrophy type 2B (LGMDR2). Also called: Limb-Girdle Muscular Dystrophy Type 2B (LGMD2B); Limb-girdle muscular dystrophy, type 2B; MUSCULAR DYSTROPHY, LIMB-GIRDLE, TYPE 3; MUSCULAR DYSTROPHY, LIMB-GIRDLE, AUTOSOMAL RECESSIVE 2. Identifiers: Orphanet 268, MedGen C1850889, MONDO:0009676, OMIM 253601.
Neuromuscular disease caused by qualitative or quantitative defects of dysferlin. Also called: Qualitative or quantitative defects of dysferlin; Dysferlinopathy. Identifiers: Orphanet 207073, MedGen C2931687, MONDO:0016145.

Allele frequency attached by ClinVar (database versions not stated): gnomAD 0.00017; TOPMed 0.00021; gnomAD exomes 0.00022 and 0.00024; ExAC 0.00026; ESP Exome Variant Server 0.00031.
gnomAD v4.1: 372 of 1,613,252 alleles (0.023%); highest among the groups gnomAD compares: Non-Finnish European, 0.03%; no homozygotes.

Submissions (7):

Labcorp Genetics (formerly Invitae), Labcorp
Classification: Likely benign for Neuromuscular disease caused by qualitative or quantitative defects of dysferlin. Last evaluated: 2026-02-01. Review status: criteria provided, single submitter. Criteria: Invitae Variant Classification Sherloc (09022015). Collection method: clinical testing. Allele origin: germline.

GeneDx
Classification: Uncertain significance. Last evaluated: 2025-02-09. Review status: criteria provided, single submitter. Criteria: GeneDx Variant Classification Process June 2021. Collection method: clinical testing. Allele origin: germline. Affected: yes.
Comment: Observed in 2 patients with clinical features suggestive of LGMD (PMID: 30564623); In silico analysis indicates that this missense variant does not alter protein structure/function; This variant is associated with the following publications: (PMID: 24438169, 30564623, 36777185)

Dasa
Classification: Uncertain significance. Last evaluated: 2025-01-14. Review status: criteria provided, single submitter. Criteria: DASA Assertion Criteria. Collection method: clinical testing. Allele origin: germline.
Comment: NM_001130987.2(DYSF):c.4936A>G (p.Ile1646Val) is a missense variant that results in the substitution of isoleucine with valine. This variant is rare in population databases. Computational prediction algorithms are consistent with a benign effect. The currently available literature and clinical evidence are not sufficient to establish a definitive association between this variant and the reported condition. Therefore, this variant is classified as a variant of uncertain significance.

CeGaT Center for Human Genetics Tuebingen
Classification: Uncertain significance. Last evaluated: 2022-06-01. Review status: criteria provided, single submitter. Criteria: CeGaT Center For Human Genetics Tuebingen Variant Classification Criteria Version 2. Collection method: clinical testing. Allele origin: germline. Affected: yes. Observed: 1 variant allele.
Comment: DYSF: PM2, BP4

Department of Pathology and Laboratory Medicine, Sinai Health System
Classification: Uncertain significance for Autosomal recessive limb-girdle muscular dystrophy type 2B; Distal myopathy with anterior tibial onset; Miyoshi muscular dystrophy 1. Last evaluated: 2021-12-27. Review status: criteria provided, single submitter. Criteria: ACMG Guidelines, 2015. Collection method: research. Allele origin: germline.

Eurofins Ntd Llc (ga)
Classification: Uncertain significance. Last evaluated: 2018-04-13. Review status: criteria provided, single submitter. Criteria: EGL ClinVar v180209 classification definitions. Collection method: clinical testing. Allele origin: germline. Observed: 5 variant alleles, 5 heterozygotes.

Natera, Inc.
Classification: Uncertain significance for Limb-girdle muscular dystrophy type 2B. Last evaluated: 2020-09-16. Review status: no assertion criteria provided. Collection method: clinical testing. Allele origin: germline. Not counted in ClinVar's aggregate classification.

NM_001130987.2(DYSF):c.4936A>G (p.Ile1646Val)

Gene: DYSF (dysferlin; plus strand). Cytogenetic location: 2p13.2.
Variant type: single nucleotide variant.
Coding change: c.4936A>G on transcript NM_001130987.2 (MANE Select); coding-DNA position 4936, A replaced by G.
Protein change: p.Ile1646Val; replaces isoleucine 1646 with valine.
Molecular consequence: missense variant.
Genome position (GRCh38, 1-based): chr2:71,660,584, A>G. VCF-style: chr2-71660584-A-G. GRCh37 (hg19) VCF-style: chr2-71887714-A-G.
Other names: c.4822A>G, p.Ile1608Val (NM_001130455.2); c.4777A>G, p.Ile1593Val (NM_001130976.2); c.4840A>G, p.Ile1614Val (NM_001130977.2); c.4882A>G, p.Ile1628Val (NM_001130978.2); c.4912A>G, p.Ile1638Val (NM_001130979.2); c.4870A>G, p.Ile1624Val (NM_001130980.2); c.4933A>G, p.Ile1645Val (NM_001130981.2); c.4915A>G, p.Ile1639Val (NM_001130982.2); and 5 more; short protein forms I1646V, I1607V, I1608V, I1615V, I1624V, I1625V, I1628V, I1629V.
Identifiers: ClinVar variation 471311 (VCV000471311.45), dbSNP rs138357301, ClinGen allele CA1707194.